The following is an entry in ClinVar:

ClinVar aggregate classification (germline): Conflicting classifications of pathogenicity. Review status: criteria provided, conflicting classifications (1 of 4 stars). 4 submissions from 4 submitters: Likely pathogenic (2); Uncertain significance (2). Last evaluated 2026-01-22.

Conditions:
Isovaleryl-CoA dehydrogenase deficiency (IVA). Also called: IVD DEFICIENCY; Isovaleric acidemia; Classic Isovaleric Acidemia; ISOVALERIC ACID CoA DEHYDROGENASE DEFICIENCY. Identifiers: Orphanet 33, MedGen C0268575, MONDO:0009475, OMIM 243500.

Allele frequency attached by ClinVar (database versions not stated): gnomAD exomes 0.00002 and 0.00001; TOPMed 0.00002; gnomAD 0.00003 and 0.00001; ExAC 0.00004; ESP Exome Variant Server 0.00008; 1000 Genomes Project 0.00040; 1000 Genomes Project 30x 0.00047.
gnomAD v4.1: 22 of 1,614,228 alleles (0.0014%); highest among the groups gnomAD compares: South Asian, 0.0088%; no homozygotes.

Submissions (4):

Natera, Inc.
Classification: Likely pathogenic for Isovaleryl-coa dehydrogenase deficiency. Last evaluated: 2026-01-22. Review status: criteria provided, single submitter. Criteria: Natera Variant Classification Schema (03/2026). Collection method: clinical testing. Allele origin: germline.
Comment: The c.1019G>A variant in IVD is a missense variant predicted to cause substitution of arginine to glutamine at amino acid 340. This variant is rare in the general population with a frequency below the threshold expected for the associated phenotype(s). This variant has been observed in one or more individuals affected with the associated recessive disease, as either homozygous or compound heterozygous with a second variant (PMID: 34535384). This variant has been identified in one or more affected individual with a phenotype highly consistent with the associated gene (PMID: 34535384). Functional studies show that this variant may disrupt protein function (PMID: 34535384). A different variant at the same position has been determined to be Pathogenic or Likely Pathogenic. Computational prediction algorithms indicate this variant is likely to affect gene or protein function. Given the available evidence, this variant is classified as Likely Pathogenic.

3billion
Classification: Likely pathogenic for Isovaleryl-CoA dehydrogenase deficiency. Last evaluated: 2025-10-20. Review status: criteria provided, single submitter. Criteria: ACMG Guidelines, 2015. Collection method: clinical testing. Allele origin: germline. Affected: yes.
Comment: The variant is observed at an extremely low frequency in the gnomAD v4.1.0 dataset (total allele frequency: 0.001%). Predicted Consequence/Location: Missense variant Functional studies provide moderate evidence of the variant having a damaging effect on the gene or gene product (PMID: 34535384). In silico tool predictions suggest damaging effect of the variant on gene or gene product [REVEL: 0.97 (>=0.6, sensitivity 0.68 and specificity 0.92); 3Cnet: 0.99 (> 0.75, sensitivity 0.96 and precision 0.92)]. The same nucleotide change resulting in the same amino acid change has been previously reported to be associated with IVD-related disorder (PMID: 34535384). Different missense changes at the same codon (p.Arg337Gly, p.Arg337Trp) have been reported as pathogenic/likely pathogenic with strong evidence (ClinVar ID: VCV000803067 /PMID: 32778825). Therefore, this variant is classified as Likely pathogenic according to the recommendation of ACMG/AMP guideline.

Labcorp Genetics (formerly Invitae), Labcorp
Classification: Uncertain significance for Isovaleryl-CoA dehydrogenase deficiency. Last evaluated: 2025-02-20. Review status: criteria provided, single submitter. Criteria: Invitae Variant Classification Sherloc (09022015). Collection method: clinical testing. Allele origin: germline.
Comment: This sequence change replaces arginine, which is basic and polar, with glutamine, which is neutral and polar, at codon 340 of the IVD protein (p.Arg340Gln). This variant is present in population databases (rs139908696, gnomAD 0.01%). This missense change has been observed in individual(s) with isovaleric acidemia (PMID: 33210480, 34535384, 38374194). In at least one individual the data is consistent with being in trans (on the opposite chromosome) from a pathogenic variant. This variant is also known as p.Arg337Gln. ClinVar contains an entry for this variant (Variation ID: 94049). An algorithm developed to predict the effect of missense changes on protein structure and function (PolyPhen-2) suggests that this variant is likely to be disruptive. Experimental studies have shown that this missense change affects IVD function (PMID: 34535384). In summary, the available evidence is currently insufficient to determine the role of this variant in disease. Therefore, it has been classified as a Variant of Uncertain Significance.

Eurofins Ntd Llc (ga)
Classification: Uncertain significance. Last evaluated: 2013-07-26. Review status: criteria provided, single submitter. Criteria: EGL Classification Definitions 2015. Collection method: clinical testing. Allele origin: germline. Observed: 1 variant allele, 1 heterozygote.

Literature cited by the submitters: PubMed 34535384 (cited by 3 submitters); PubMed 32778825 (cited by 3billion); PubMed 33210480 (cited by Labcorp Genetics (formerly Invitae), Labcorp); PubMed 38374194 (cited by Labcorp Genetics (formerly Invitae), Labcorp).

NM_002225.5(IVD):c.1010G>A (p.Arg337Gln)

Gene: IVD (isovaleryl-CoA dehydrogenase; plus strand). Cytogenetic location: 15q15.1.
Variant type: single nucleotide variant.
Coding change: c.1010G>A on transcript NM_002225.5 (MANE Select); coding-DNA position 1010, G replaced by A.
Protein change: p.Arg337Gln; replaces arginine 337 with glutamine.
Molecular consequence: missense variant. On other transcripts: non-coding transcript variant (1).
Genome position (GRCh38, 1-based): chr15:40,416,127, G>A. VCF-style: chr15-40416127-G-A. GRCh37 (hg19) VCF-style: chr15-40708326-G-A.
Other names: c.920G>A, p.Arg307Gln (NM_001159508.3); c.962G>A, p.Arg321Gln (NM_001354597.3); c.1010G>A, p.Arg337Gln (NM_001354598.3, NM_001354601.3); c.1097G>A, p.Arg366Gln (NM_001354599.3, NM_001354600.3); short protein forms R307Q, R321Q, R337Q, R366Q.
Identifiers: ClinVar variation 94049 (VCV000094049.15), dbSNP rs139908696, ClinGen allele CA221927.